The following is an entry in ClinVar:

ClinVar aggregate classification (germline): Uncertain significance (1 of 4 stars; one submission).

Conditions:
Hypokalemic periodic paralysis, type 1. Also called: HypoPP; Hypokalemic Periodic Paralysis Type 1 (AD). Identifiers: Orphanet 681, MedGen C3714580, MONDO:0042979, OMIM 170400.
Malignant hyperthermia, susceptibility to, 5 (MHS5). Also called: CACNA1S-Related Malignant Hyperthermia Susceptibility. Identifiers: Orphanet 423, MedGen C1866077, MONDO:0011163, OMIM 601887.

gnomAD v4.1: 1 of 1,613,846 alleles (0.000062%); highest among the groups gnomAD compares: Non-Finnish European, 0.000085%; no homozygotes.

Submission:

Labcorp Genetics (formerly Invitae), Labcorp
Classification: Uncertain significance for Hypokalemic periodic paralysis, type 1; Malignant hyperthermia, susceptibility to, 5. Last evaluated: 2022-01-21. Review status: criteria provided, single submitter. Criteria: Invitae Variant Classification Sherloc (09022015). Collection method: clinical testing. Allele origin: germline.
Comment: The frequency data for this variant in the population databases is considered unreliable, as metrics indicate poor data quality at this position in the gnomAD database. This sequence change replaces aspartic acid, which is acidic and polar, with asparagine, which is neutral and polar, at codon 662 of the CACNA1S protein (p.Asp662Asn). This variant has not been reported in the literature in individuals affected with CACNA1S-related conditions. In summary, the available evidence is currently insufficient to determine the role of this variant in disease. Therefore, it has been classified as a Variant of Uncertain Significance. Algorithms developed to predict the effect of missense changes on protein structure and function are either unavailable or do not agree on the potential impact of this missense change (SIFT: "Deleterious"; PolyPhen-2: "Probably Damaging"; Align-GVGD: "Class C0").

NM_000069.3(CACNA1S):c.1984G>A (p.Asp662Asn)

Gene: CACNA1S (calcium voltage-gated channel subunit alpha1 S; minus strand). Cytogenetic location: 1q32.1.
Variant type: single nucleotide variant.
Coding change: c.1984G>A on transcript NM_000069.3 (MANE Select); coding-DNA position 1984, G replaced by A.
Protein change: p.Asp662Asn; replaces aspartic acid 662 with asparagine.
Molecular consequence: missense variant.
Genome position (GRCh38, 1-based): chr1:201,074,585, C>T on the plus strand (G>A on the coding strand, the complement: CACNA1S is on the minus strand). VCF-style: chr1-201074585-C-T. GRCh37 (hg19) VCF-style: chr1-201043713-C-T.
Other names: short protein forms D662N.
Identifiers: ClinVar variation 1983164 (VCV001983164.4), dbSNP rs1304993462, ClinGen allele CA344115166.